The following is an entry in ClinVar:

ClinVar aggregate classification (germline): Uncertain significance. Review status: criteria provided, multiple submitters, no conflicts (2 of 4 stars). 2 submissions from 2 submitters: Uncertain significance (2). Last evaluated 2025-01-18.

Conditions:
Inborn genetic diseases. Identifiers: MedGen C0950123, MeSH D030342.

Allele frequency attached by ClinVar (database versions not stated): ESP Exome Variant Server 0.00008.
gnomAD v4.1: 285 of 1,597,652 alleles (0.018%); highest among the groups gnomAD compares: Non-Finnish European, 0.023%; no homozygotes.

Submissions (2):

Ambry Genetics
Classification: Uncertain significance for Inborn genetic diseases. Last evaluated: 2025-01-18. Review status: criteria provided, single submitter. Criteria: Ambry Variant Classification Scheme 2023. Collection method: clinical testing. Allele origin: germline.

Labcorp Genetics (formerly Invitae), Labcorp
Classification: Uncertain significance. Last evaluated: 2022-08-09. Review status: criteria provided, single submitter. Criteria: Invitae Variant Classification Sherloc (09022015). Collection method: clinical testing. Allele origin: germline.
Comment: This sequence change replaces arginine, which is basic and polar, with glycine, which is neutral and non-polar, at codon 1638 of the DOCK6 protein (p.Arg1638Gly). This variant is present in population databases (rs370048275, gnomAD 0.01%). This variant has not been reported in the literature in individuals affected with DOCK6-related conditions. ClinVar contains an entry for this variant (Variation ID: 1488555). Algorithms developed to predict the effect of missense changes on protein structure and function (SIFT, PolyPhen-2, Align-GVGD) all suggest that this variant is likely to be tolerated. In summary, the available evidence is currently insufficient to determine the role of this variant in disease. Therefore, it has been classified as a Variant of Uncertain Significance.

NM_020812.4(DOCK6):c.4912C>G (p.Arg1638Gly)

Genes: DOCK6 (dedicator of cytokinesis 6; minus strand), DOCK6-AS1 (DOCK6 antisense RNA 1; plus strand). Cytogenetic location: 19p13.2.
Variant type: single nucleotide variant.
Coding change: c.4912C>G on transcript NM_020812.4 (MANE Select); coding-DNA position 4912, C replaced by G.
Protein change: p.Arg1638Gly; replaces arginine 1638 with glycine.
Molecular consequence: missense variant.
Genome position (GRCh38, 1-based): chr19:11,208,943, G>C on the plus strand (C>G on the coding strand, the complement: DOCK6 is on the minus strand). VCF-style: chr19-11208943-G-C. GRCh37 (hg19) VCF-style: chr19-11319619-G-C.
Other names: c.5017C>G, p.Arg1673Gly (NM_001367830.1); c.4912C>G (NM_020812.2); short protein forms R1673G, R1638G.
Identifiers: ClinVar variation 1488555 (VCV001488555.6), dbSNP rs370048275, ClinGen allele CA9206691.